The following is an entry in ClinVar:

ClinVar aggregate classification (germline): Likely benign (0 of 4 stars; one submission).

Conditions:
TBX10-related disorder. Also called: TBX10-related condition.

Allele frequency attached by ClinVar (database versions not stated): ESP Exome Variant Server 0.00015; gnomAD 0.00038; TOPMed 0.00050; gnomAD exomes 0.00052; ExAC 0.00093; 1000 Genomes Project 30x 0.00203; 1000 Genomes Project 0.00240.
gnomAD v4.1: 804 of 1,612,606 alleles (0.05%); highest among the groups gnomAD compares: East Asian, 1.3%; 3 homozygotes.

Submission:

PreventionGenetics, part of Exact Sciences
Classification: Likely benign for TBX10-related condition. Last evaluated: 2019-04-23. Review status: no assertion criteria provided. Collection method: clinical testing. Allele origin: germline.
Comment: This variant is classified as likely benign based on ACMG/AMP sequence variant interpretation guidelines (Richards et al. 2015 PMID: 25741868, with internal and published modifications).

NM_005995.5(TBX10):c.549C>T (p.His183=)

Gene: TBX10 (T-box transcription factor 10; minus strand). Cytogenetic location: 11q13.2.
Variant type: single nucleotide variant.
Coding change: c.549C>T on transcript NM_005995.5 (MANE Select); coding-DNA position 549, C replaced by T.
Protein change: p.His183=; no amino-acid change (histidine 183 retained).
Molecular consequence: synonymous variant.
Genome position (GRCh38, 1-based): chr11:67,634,189, G>A on the plus strand (C>T on the coding strand, the complement: TBX10 is on the minus strand). VCF-style: chr11-67634189-G-A. GRCh37 (hg19) VCF-style: chr11-67401660-G-A.
Identifiers: ClinVar variation 3058174 (VCV003058174.2), dbSNP rs117709265, ClinGen allele CA6143980.